The following is an entry in ClinVar:

NM_006420.3(ARFGEF2):c.847G>A (p.Asp283Asn)

Gene: ARFGEF2 (ARF guanine nucleotide exchange factor 2; plus strand). Cytogenetic location: 20q13.13.
Variant type: single nucleotide variant.
Coding change: c.847G>A on transcript NM_006420.3 (MANE Select); coding-DNA position 847, G replaced by A.
Protein change: p.Asp283Asn; replaces aspartic acid 283 with asparagine.
Molecular consequence: missense variant.
Genome position (GRCh38, 1-based): chr20:48,963,838, G>A. VCF-style: chr20-48963838-G-A. GRCh37 (hg19) VCF-style: chr20-47580375-G-A.
Other names: short protein forms D283N.
Identifiers: ClinVar variation 338682 (VCV000338682.6), dbSNP rs372150935, ClinGen allele CA10649845.

ClinVar aggregate classification (germline): Uncertain significance. Review status: criteria provided, multiple submitters, no conflicts (2 of 4 stars). 2 submissions from 2 submitters: Uncertain significance (2). Last evaluated 2018-01-13.

Conditions:
Periventricular heterotopia with microcephaly, autosomal recessive (ARPHM). Also called: Periventricular heterotopia with microcephaly; PERIVENTRICULAR NODULAR HETEROTOPIA 2. Identifiers: Orphanet 2149, MedGen C1842563, MONDO:0011966, OMIM 608097.

Allele frequency attached by ClinVar (database versions not stated): gnomAD exomes 0.00003 and 0.00006; gnomAD 0.00004 and 0.00005; TOPMed 0.00004; ESP Exome Variant Server 0.00008.
gnomAD v4.1: 88 of 1,613,872 alleles (0.0055%); highest among the groups gnomAD compares: Non-Finnish European, 0.0073%; no homozygotes.

Submissions (2):

Illumina Laboratory Services, Illumina
Classification: Uncertain significance for Periventricular heterotopia with microcephaly, autosomal recessive. Last evaluated: 2018-01-13. Review status: criteria provided, single submitter. Criteria: ICSL Variant Classification Criteria 13 December 2019. Collection method: clinical testing. Allele origin: germline.

GeneDx
Classification: Uncertain significance. Last evaluated: 2015-12-31. Review status: criteria provided, single submitter. Criteria: GeneDx Variant Classification (06012015). Collection method: clinical testing. Allele origin: germline. Affected: yes.
Comment: A variant of uncertain significance has been identified in the ARFGEF2 gene. The D283N variant hasnot been published as a pathogenic variant, nor has it been reported as a benign variant to ourknowledge. It was not observed with any significant frequency in approximately 6,500 individuals ofEuropean and African American ancestry in the NHLBI Exome Sequencing Project. The D283Nvariant is a semi-conservative amino acid substitution, which may impact secondary protein structureas these residues differ in some properties. However, this substitution occurs at a position that is notconserved, and in silico analysis predicts this variant likely does not alter the proteinstructure/function. Therefore, based on the currently available information, it is unclear whether thisvariant is a pathogenic variant or a rare benign variant.